The following is an entry in ClinVar:

NM_014284.3(NCDN):c.66C>T (p.Cys22=)

Gene: NCDN (neurochondrin; plus strand). Cytogenetic location: 1p34.3.
Variant type: single nucleotide variant.
Coding change: c.66C>T on transcript NM_014284.3 (MANE Select); coding-DNA position 66, C replaced by T.
Protein change: p.Cys22=; no amino-acid change (cysteine 22 retained).
Molecular consequence: synonymous variant.
Genome position (GRCh38, 1-based): chr1:35,559,139, C>T. VCF-style: chr1-35559139-C-T. GRCh37 (hg19) VCF-style: chr1-36024740-C-T.
Other names: c.66C>T, p.Cys22= (NM_001014839.2); c.15C>T, p.Cys5= (NM_001014841.2).
Identifiers: ClinVar variation 4977672 (VCV004977672.1).

ClinVar aggregate classification (germline): Likely benign (1 of 4 stars; one submission).

Conditions:
NCDN-related disorder. Also called: NCDN-related condition.

gnomAD v4.1: 13 of 1,613,158 alleles (0.00081%); highest among the groups gnomAD compares: South Asian, 0.0055%; no homozygotes.

Submission:

PreventionGenetics, part of Exact Sciences
Classification: Likely benign for NCDN-related condition. Last evaluated: 2026-02-12. Review status: criteria provided, single submitter. Criteria: ACMG Guidelines, 2015. Collection method: clinical testing. Allele origin: germline.
Comment: This variant is classified as likely benign based on ACMG/AMP sequence variant interpretation guidelines (Richards et al. 2015 PMID: 25741868, with internal and published modifications).